The following is an entry in ClinVar:

ClinVar aggregate classification (germline): Uncertain significance (1 of 4 stars; one submission).

Conditions:
Dilated cardiomyopathy 1II (CMD1II). Identifiers: Orphanet 154, MedGen C3554649, MONDO:0014073, OMIM 615184.

Submission:

Labcorp Genetics (formerly Invitae), Labcorp
Classification: Uncertain significance for Dilated cardiomyopathy 1II. Last evaluated: 2023-05-17. Review status: criteria provided, single submitter. Criteria: Invitae Variant Classification Sherloc (09022015). Collection method: clinical testing. Allele origin: germline.
Comment: This sequence change creates a premature translational stop signal (p.Ala126Leufs*3) in the CRYAB gene. While this is not anticipated to result in nonsense mediated decay, it is expected to disrupt the last 50 amino acid(s) of the CRYAB protein. In summary, the available evidence is currently insufficient to determine the role of this variant in disease. Therefore, it has been classified as a Variant of Uncertain Significance. This variant disrupts the region of the CRYAB protein between p.Asp109 and p.Gln151. Other variants in this region have been observed in individuals with autosomal dominant CRYAB-related conditions (PMID: 14681890, 21920752, 23194663, 26627873), which suggests that this may be a clinically significant region of the protein. ClinVar contains an entry for this variant (Variation ID: 1502229). This variant has not been reported in the literature in individuals affected with CRYAB-related conditions. This variant is not present in population databases (gnomAD no frequency).

Literature cited by the submitters: PubMed 14681890; PubMed 21920752; PubMed 23194663; PubMed 26627873.

NM_001289808.2(CRYAB):c.376del (p.Ala126fs)

Gene: CRYAB (crystallin alpha B; minus strand). Cytogenetic location: 11q23.1.
Variant type: Deletion.
Coding change: c.376del on transcript NM_001289808.2 (MANE Select); coding-DNA position 376, one base deleted (G; older notation c.376delG).
Protein change: p.Ala126fs; shifts the reading frame from alanine 126.
Molecular consequence: frameshift variant.
Genome position (GRCh38, 1-based): chr11:111,908,916, C deleted on the plus strand (G on the coding strand, the reverse complement: CRYAB is on the minus strand). VCF-style (leftmost placement, unchanged base first): chr11-111908915-GC-G. GRCh37 (hg19) VCF-style: chr11-111779639-GC-G.
Other names: c.376del, p.Ala126fs (NM_001289807.1, NM_001368245.1, NM_001885.3); c.175del, p.Ala59fs (NM_001330379.1, NM_001368246.1); short protein forms A59fs, A126fs.
Identifiers: ClinVar variation 1502229 (VCV001502229.8), dbSNP rs2137378811, ClinGen allele CA2573146790.
Genomic context (GRCh38, chr11:111,908,915, plus strand): 5'-TTCACAGTGAGGACCCCATCAGATGACAGGGATGAAGTAATGGTGAGAGGGTCTACATCA[GC>G]TGGGATCCGGTATTTCCTGTGGAACTCCCTGGAGATGAAACCATGTTCATCCTAACCCAA-3'